The following is an entry in ClinVar:

NM_020937.4(FANCM):c.3551T>C (p.Leu1184Ser)

Gene: FANCM (FA complementation group M; plus strand). Cytogenetic location: 14q21.2.
Variant type: single nucleotide variant.
Coding change: c.3551T>C on transcript NM_020937.4 (MANE Select); coding-DNA position 3551, T replaced by C.
Protein change: p.Leu1184Ser; replaces leucine 1184 with serine.
Molecular consequence: missense variant.
Genome position (GRCh38, 1-based): chr14:45,176,305, T>C. VCF-style: chr14-45176305-T-C. GRCh37 (hg19) VCF-style: chr14-45645508-T-C.
Other names: c.3473T>C, p.Leu1158Ser (NM_001308133.2); short protein forms L1158S, L1184S.
Identifiers: ClinVar variation 4619510 (VCV004619510.1).
Genomic context (GRCh38, chr14:45,176,305, plus strand): 5'-AAACTGCTATTAGTGAAACGCCTCTGGTCTCTCAGTTCTTAATTTCTGATGAACTTTTGT[T>C]GGACAATAATTCTGAACTCCAAGATCAAATCACCCGTGATGCTAATAGTTTTAAATCTCG-3'
Protein context (NP_065988.1, residues 1174-1194): SQFLISDELL[Leu1184Ser]DNNSELQDQI

ClinVar aggregate classification (germline): Uncertain significance (1 of 4 stars; one submission).

Conditions:
Inborn genetic diseases. Identifiers: MedGen C0950123, MeSH D030342.

gnomAD v4.1: 3 of 1,613,916 alleles (0.00019%); highest among the groups gnomAD compares: African/African-American, 0.0027%; no homozygotes.

Submission:

Ambry Genetics
Classification: Uncertain significance for Inborn genetic diseases. Last evaluated: 2025-10-22. Review status: criteria provided, single submitter. Criteria: Ambry Variant Classification Scheme 2023. Collection method: clinical testing. Allele origin: germline.
Comment: The p.L1184S variant (also known as c.3551T>C), located in coding exon 14 of the FANCM gene, results from a T to C substitution at nucleotide position 3551. The leucine at codon 1184 is replaced by serine, an amino acid with dissimilar properties. This amino acid position is conserved. In addition, this alteration is predicted to be tolerated by in silico analysis. Based on the available evidence, the clinical significance of this variant remains unclear.